The following is an entry in ClinVar:

ClinVar aggregate classification (germline): Uncertain significance (1 of 4 stars; one submission).

Allele frequency attached by ClinVar (database versions not stated): gnomAD exomes below 0.00001; TOPMed below 0.00001; ExAC 0.00001.
gnomAD v4.1: 4 of 1,612,198 alleles (0.00025%); highest among the groups gnomAD compares: Non-Finnish European, 0.00034%; no homozygotes.

Submission:

Labcorp Genetics (formerly Invitae), Labcorp
Classification: Uncertain significance. Last evaluated: 2021-08-04. Review status: criteria provided, single submitter. Criteria: Invitae Variant Classification Sherloc (09022015). Collection method: clinical testing. Allele origin: germline.
Comment: In summary, the available evidence is currently insufficient to determine the role of this variant in disease. Therefore, it has been classified as a Variant of Uncertain Significance. Algorithms developed to predict the effect of missense changes on protein structure and function are either unavailable or do not agree on the potential impact of this missense change (SIFT: "Deleterious"; PolyPhen-2: "Possibly Damaging"; Align-GVGD: "Class C0"). This variant has not been reported in the literature in individuals affected with PRPF8-related conditions. This variant is present in population databases (rs772894195, ExAC 0.002%). This sequence change replaces arginine with tryptophan at codon 432 of the PRPF8 protein (p.Arg432Trp). The arginine residue is moderately conserved and there is a moderate physicochemical difference between arginine and tryptophan.

NM_006445.4(PRPF8):c.1294C>T (p.Arg432Trp)

Gene: PRPF8 (pre-mRNA processing factor 8; minus strand). Cytogenetic location: 17p13.3.
Variant type: single nucleotide variant.
Coding change: c.1294C>T on transcript NM_006445.4 (MANE Select); coding-DNA position 1294, C replaced by T.
Protein change: p.Arg432Trp; replaces arginine 432 with tryptophan.
Molecular consequence: missense variant.
Genome position (GRCh38, 1-based): chr17:1,679,406, G>A on the plus strand (C>T on the coding strand, the complement: PRPF8 is on the minus strand). VCF-style: chr17-1679406-G-A. GRCh37 (hg19) VCF-style: chr17-1582700-G-A.
Other names: short protein forms R432W.
Identifiers: ClinVar variation 1372370 (VCV001372370.6), dbSNP rs772894195, ClinGen allele CA8272371.